The following is an entry in ClinVar:

NM_031889.3(ENAM):c.2288G>A (p.Arg763Gln)

Gene: ENAM (enamelin; plus strand). Cytogenetic location: 4q13.3.
Variant type: single nucleotide variant.
Coding change: c.2288G>A on transcript NM_031889.3 (MANE Select); coding-DNA position 2288, G replaced by A.
Protein change: p.Arg763Gln; replaces arginine 763 with glutamine.
Molecular consequence: missense variant.
Genome position (GRCh38, 1-based): chr4:70,643,714, G>A. VCF-style: chr4-70643714-G-A. GRCh37 (hg19) VCF-style: chr4-71509431-G-A.
Other names: NC_000004.11:g.71509431G>A; c.1634G>A, p.Arg545Gln (NM_001368133.1); short protein forms R763Q, R545Q.
Identifiers: ClinVar variation 261985 (VCV000261985.10), dbSNP rs3796704, ClinGen allele CA2952255.

ClinVar aggregate classification (germline): Benign/Likely benign. Review status: criteria provided, multiple submitters, no conflicts (2 of 4 stars). 5 submissions from 5 submitters: Benign (4); Likely benign (1). Last evaluated 2024-11-26.

Conditions:
Amelogenesis imperfecta (AI). Also called: Congenital enamel hypoplasia. Identifiers: Orphanet 88661, MedGen C0002452, MONDO:0019507, HP:0000705.

Allele frequency attached by ClinVar (database versions not stated): 1000 Genomes Project 0.13778; 1000 Genomes Project 30x 0.14069; gnomAD exomes 0.04942 and 0.06977; ExAC 0.07225; gnomAD 0.12521 and 0.13050; TOPMed 0.13683; ESP Exome Variant Server 0.13771.

Submissions (14):

Blueprint Genetics
Classification: Likely benign. Last evaluated: 2024-11-26. Review status: criteria provided, single submitter. Criteria: ACMG Guidelines, 2015. Collection method: clinical testing. Allele origin: germline.

GeneDx
Classification: Benign. Last evaluated: 2018-11-11. Review status: criteria provided, single submitter. Criteria: GeneDx Variant Classification Process June 2021. Collection method: clinical testing. Allele origin: germline. Affected: yes.

Illumina Laboratory Services, Illumina
Classification: Benign for Amelogenesis imperfecta. Last evaluated: 2018-01-12. Review status: criteria provided, single submitter. Criteria: ICSL Variant Classification Criteria 13 December 2019. Collection method: clinical testing. Allele origin: germline.
Comment: This variant was observed in the ICSL laboratory as part of a predisposition screen in an ostensibly healthy population. It had not been previously curated by ICSL or reported in the Human Gene Mutation Database (HGMD: prior to June 1st, 2018), and was therefore a candidate for classification through an automated scoring system. Utilizing variant allele frequency, disease prevalence and penetrance estimates, and inheritance mode, an automated score was calculated to assess if this variant is too frequent to cause the disease. Based on the score and internal cut-off values, a variant classified as benign is not then subjected to further curation. The score for this variant resulted in a classification of benign for this disease.

Breakthrough Genomics
Classification: Benign. Review status: criteria provided, single submitter. Criteria: ACMG Guidelines, 2015. Collection method: not provided. Allele origin: germline. Inheritance: Autosomal recessive inheritance. Affected: yes.

PreventionGenetics, part of Exact Sciences
Classification: Benign. Review status: criteria provided, single submitter. Criteria: ACMG Guidelines, 2015. Collection method: clinical testing. Allele origin: germline.

Dr. Peter K. Rogan Lab, Western University
No classification provided (evidence only). Condition: Acute myeloid leukemia. Review status: no classification provided. Collection method: in vitro. Allele origin: not applicable. Functional consequence: retained intron. Not counted in ClinVar's aggregate classification.

Dr. Peter K. Rogan Lab, Western University
No classification provided (evidence only). Condition: Acute myeloid leukemia. Review status: no classification provided. Collection method: in vitro. Allele origin: not applicable. Functional consequence: retained intron. Not counted in ClinVar's aggregate classification.

Dr. Peter K. Rogan Lab, Western University
No classification provided (evidence only). Condition: Colorectal cancer. Review status: no classification provided. Collection method: in vitro. Allele origin: not applicable. Functional consequence: retained intron. Not counted in ClinVar's aggregate classification.

Dr. Peter K. Rogan Lab, Western University
No classification provided (evidence only). Condition: Malignant lymphoma, large B-cell, diffuse. Review status: no classification provided. Collection method: in vitro. Allele origin: not applicable. Functional consequence: retained intron. Not counted in ClinVar's aggregate classification.

Dr. Peter K. Rogan Lab, Western University
No classification provided (evidence only). Condition: Cholangiocarcinoma. Review status: no classification provided. Collection method: in vitro. Allele origin: not applicable. Functional consequence: retained intron. Not counted in ClinVar's aggregate classification.

Dr. Peter K. Rogan Lab, Western University
No classification provided (evidence only). Condition: Adrenocortical carcinoma, hereditary. Review status: no classification provided. Collection method: in vitro. Allele origin: not applicable. Functional consequence: retained intron. Not counted in ClinVar's aggregate classification.

Dr. Peter K. Rogan Lab, Western University
No classification provided (evidence only). Condition: Adrenocortical carcinoma, hereditary. Review status: no classification provided. Collection method: in vitro. Allele origin: not applicable. Functional consequence: retained intron. Not counted in ClinVar's aggregate classification.

Dr. Peter K. Rogan Lab, Western University
No classification provided (evidence only). Condition: Uterine carcinosarcoma. Review status: no classification provided. Collection method: in vitro. Allele origin: not applicable. Functional consequence: retained intron. Not counted in ClinVar's aggregate classification.

Dr. Peter K. Rogan Lab, Western University
No classification provided (evidence only). Condition: Uveal melanoma. Review status: no classification provided. Collection method: in vitro. Allele origin: not applicable. Functional consequence: retained intron. Not counted in ClinVar's aggregate classification.